The following is an entry in ClinVar:

NM_022455.5(NSD1):c.4826C>T (p.Pro1609Leu)

Gene: NSD1 (nuclear receptor binding SET domain protein 1; plus strand). Cytogenetic location: 5q35.3.
Variant type: single nucleotide variant.
Coding change: c.4826C>T on transcript NM_022455.5 (MANE Select); coding-DNA position 4826, C replaced by T.
Protein change: p.Pro1609Leu; replaces proline 1609 with leucine.
Molecular consequence: missense variant.
Genome position (GRCh38, 1-based): chr5:177,257,011, C>T. VCF-style: chr5-177257011-C-T. GRCh37 (hg19) VCF-style: chr5-176684012-C-T.
Other names: c.3953C>T, p.Pro1318Leu (NM_172349.5, NM_001365684.2, NM_001409308.1 and 1 more transcripts); c.4826C>T, p.Pro1609Leu (NM_001409301.1, NM_001409302.1, NM_001409303.1); c.4406C>T, p.Pro1469Leu (NM_001409304.1); c.4073C>T, p.Pro1358Leu (NM_001409305.1); c.4064C>T, p.Pro1355Leu (NM_001409306.1, NM_001409307.1); short protein forms P1340L, P1609L, P1358L, P1318L, P1355L, P1469L.
Identifiers: ClinVar variation 1315441 (VCV001315441.4), dbSNP rs2149912363, ClinGen allele CA362355193.
Genomic context (GRCh38, chr5:177,257,011, plus strand): 5'-GAATCCATACCTGTTTTGTATGTAAGCAGAGTGGGGAAGATGTTAAAAGGTGCCTTCTAC[C>T]CTTGTGTGGAAAGTTTTACCATGAAGAGTGTGTCCAGAAGTACCCACCCACTGTTATGCA-3'
Protein context (NP_071900.2, residues 1599-1619): SGEDVKRCLL[Pro1609Leu]LCGKFYHEEC

ClinVar aggregate classification (germline): Uncertain significance (1 of 4 stars; one submission).

Submission:

GeneDx
Classification: Uncertain significance. Last evaluated: 2025-12-23. Review status: criteria provided, single submitter. Criteria: GeneDx Variant Classification Process June 2021. Collection method: clinical testing. Allele origin: germline. Affected: yes.
Comment: Not observed at significant frequency in large population cohorts (gnomAD); In silico analysis supports that this missense variant has a deleterious effect on protein structure/function; Has not been previously published as pathogenic or benign to our knowledge